The following is an entry in ClinVar:

NM_005859.5(PURA):c.263T>C (p.Ile88Thr)

Gene: PURA (purine rich element binding protein A; plus strand). Cytogenetic location: 5q31.3.
Variant type: single nucleotide variant.
Coding change: c.263T>C on transcript NM_005859.5 (MANE Select); coding-DNA position 263, T replaced by C.
Protein change: p.Ile88Thr; replaces isoleucine 88 with threonine.
Molecular consequence: missense variant.
Genome position (GRCh38, 1-based): chr5:140,114,444, T>C. VCF-style: chr5-140114444-T-C. GRCh37 (hg19) VCF-style: chr5-139494029-T-C.
Other names: short protein forms I88T.
Identifiers: ClinVar variation 450377 (VCV000450377.2), dbSNP rs1554129050, ClinGen allele CA361490381.

ClinVar aggregate classification (germline): Likely pathogenic (1 of 4 stars; one submission).

Submission:

GeneDx
Classification: Likely pathogenic. Last evaluated: 2017-09-15. Review status: criteria provided, single submitter. Criteria: GeneDx Variant Classification (06012015). Collection method: clinical testing. Allele origin: germline. Affected: yes.
Comment: The I88T variant in the PURA gene has not been reported previously as a pathogenic variant, nor as a benign variant, to our knowledge. This variant is not observed in large population cohorts (Lek et al., 2016; 1000 Genomes Consortium et al., 2015; Exome Variant Server). The I88T variant is a non-conservative amino acid substitution, which is likely to impact secondary protein structure as these residues differ in polarity, charge, size and/or other properties. In addition, this substitution occurs at a position that is conserved across species, and in silico analysis predicts this variant is probably damaging to the protein structure/function. We interpret I88T as a likely pathogenic variant.